The following is an entry in ClinVar:

ClinVar aggregate classification (germline): Pathogenic (1 of 4 stars; one submission).

Conditions:
UDPglucose-4-epimerase deficiency. Also called: GALACTOSEMIA III; GALE DEFICIENCY; Epimerase Deficiency Galactosemia; UDP-GALACTOSE-4-EPIMERASE DEFICIENCY; Galactose epimerase deficiency; UDPglucose 4-Epimerase Deficiency Disease. Identifiers: Orphanet 352, Orphanet 79238, MedGen C0751161, MONDO:0009257, OMIM 230350.

Submission:

Labcorp Genetics (formerly Invitae), Labcorp
Classification: Pathogenic for UDPglucose-4-epimerase deficiency. Last evaluated: 2022-09-28. Review status: criteria provided, single submitter. Criteria: Invitae Variant Classification Sherloc (09022015). Collection method: clinical testing. Allele origin: germline.
Comment: For these reasons, this variant has been classified as Pathogenic. This variant has not been reported in the literature in individuals affected with GALE-related conditions. This variant is not present in population databases (gnomAD no frequency). This sequence change creates a premature translational stop signal (p.Pro188Hisfs*11) in the GALE gene. It is expected to result in an absent or disrupted protein product. Loss-of-function variants in GALE are known to be pathogenic (PMID: 16301867).

Literature cited by the submitters: PubMed 16301867.

NM_001008216.2(GALE):c.563_564del (p.Pro188fs)

Gene: GALE (UDP-galactose-4-epimerase; minus strand). Cytogenetic location: 1p36.11.
Variant type: Deletion.
Coding change: c.563_564del on transcript NM_001008216.2 (MANE Select); coding-DNA positions 563 to 564, 2 bases deleted (CC; older notation c.563_564delCC).
Protein change: p.Pro188fs; shifts the reading frame from proline 188.
Molecular consequence: frameshift variant.
Genome position (GRCh38, 1-based): chr1:23,797,112-23,797,113, GG deleted on the plus strand (CC on the coding strand, the reverse complement: GALE is on the minus strand); deleting any 2 consecutive bases within chr1:23,797,112-23,797,115 gives the same sequence; the c. name uses the placement nearest the transcript's 3' end. VCF-style (leftmost placement, unchanged base first): chr1-23797111-TGG-T. GRCh37 (hg19) VCF-style: chr1-24123601-TGG-T.
Other names: c.563_564del, p.Pro188fs (NM_000403.4, NM_001127621.2); short protein forms P188fs.
Identifiers: ClinVar variation 2019974 (VCV002019974.4), dbSNP rs2521294004, ClinGen allele CA2580061517.
Genomic context (GRCh38, chr1:23,797,111, plus strand): 5'-TGAGGTTGTTGGGTATGCCCTGGGGATCCTCACCAATGCAGCCAGAGGCATGGGCACCTG[TGG>T]GGTTGAAATAGCGCAGCAGCACTGCGTTCCAAGTCTGTGGGATGTGGGTCAGGTGGTGAG-3'